The following is an entry in ClinVar:

NM_006767.4(LZTR1):c.1625A>G (p.Glu542Gly)

Gene: LZTR1 (leucine zipper like post translational regulator 1; plus strand). Cytogenetic location: 22q11.21.
Variant type: single nucleotide variant.
Coding change: c.1625A>G on transcript NM_006767.4 (MANE Select); coding-DNA position 1625, A replaced by G.
Protein change: p.Glu542Gly; replaces glutamic acid 542 with glycine.
Molecular consequence: missense variant.
Genome position (GRCh38, 1-based): chr22:20,994,567, A>G. VCF-style: chr22-20994567-A-G. GRCh37 (hg19) VCF-style: chr22-21348856-A-G.
Other names: short protein forms E542G.
Identifiers: ClinVar variation 2447716 (VCV002447716.2), dbSNP rs1924748507, ClinGen allele CA410776499.

ClinVar aggregate classification (germline): Uncertain significance (1 of 4 stars; one submission).

Conditions:
Cardiovascular phenotype. Identifiers: MedGen CN230736.
Hereditary cancer-predisposing syndrome. Also called: Neoplastic Syndromes, Hereditary; Hereditary Cancer Syndrome; Tumor predisposition; Hereditary neoplastic syndrome. Identifiers: Orphanet 140162, MedGen C0027672, MeSH D009386, MONDO:0015356.

Submission:

Ambry Genetics
Classification: Uncertain significance for Cardiovascular phenotype; Hereditary cancer-predisposing syndrome. Last evaluated: 2022-12-17. Review status: criteria provided, single submitter. Criteria: Ambry Variant Classification Scheme 2023. Collection method: clinical testing. Allele origin: germline.
Comment: The p.E542G variant (also known as c.1625A>G), located in coding exon 15 of the LZTR1 gene, results from an A to G substitution at nucleotide position 1625. The glutamic acid at codon 542 is replaced by glycine, an amino acid with similar properties. This amino acid position is conserved. In addition, this alteration is predicted to be tolerated by in silico analysis. Since supporting evidence is limited at this time, the clinical significance of this alteration remains unclear.